The following is an entry in ClinVar:

NM_001355436.2(SPTB):c.5165_5166del (p.Asp1721_Phe1722insTer)

Gene: SPTB (spectrin beta, erythrocytic; minus strand). Cytogenetic location: 14q23.3.
Variant type: Deletion.
Coding change: c.5165_5166del on transcript NM_001355436.2 (MANE Select); coding-DNA positions 5165 to 5166, 2 bases deleted (TT; older notation c.5165_5166delTT).
Protein change: p.Asp1721_Phe1722insTer.
Molecular consequence: nonsense.
Genome position (GRCh38, 1-based): chr14:64,773,232-64,773,233, AA deleted on the plus strand (TT on the coding strand, the reverse complement: SPTB is on the minus strand); deleting any 2 consecutive bases within chr14:64,773,232-64,773,234 gives the same sequence; the c. name uses the placement nearest the transcript's 3' end. VCF-style (leftmost placement, unchanged base first): chr14-64773231-CAA-C. GRCh37 (hg19) VCF-style: chr14-65239949-CAA-C.
Other names: c.5165_5166del, p.Asp1721_Phe1722insTer (NM_001024858.4, NM_001355437.2).
Identifiers: ClinVar variation 3775962 (VCV003775962.1).

ClinVar aggregate classification (germline): Pathogenic (1 of 4 stars; one submission).

Conditions:
Hereditary spherocytosis type 2. Also called: SPHEROCYTOSIS, TYPE 2, AUTOSOMAL DOMINANT. Identifiers: Orphanet 822, MedGen C2674219, MONDO:0000913, OMIM 616649.

Submission:

3billion
Classification: Pathogenic for Hereditary spherocytosis type 2. Last evaluated: 2023-10-12. Review status: criteria provided, single submitter. Criteria: ACMG Guidelines, 2015. Collection method: clinical testing. Allele origin: germline. Affected: yes.
Comment: The variant is not observed in the gnomAD v2.1.1 dataset. Predicted Consequence/Location: Stop-gained (nonsense): predicted to result in a loss or disruption of normal protein function through nonsense-mediated decay (NMD) or protein truncation. Multiple pathogenic variants are reported downstream of the variant. The variant has been reported to be associated with SPTB-related disorder (PMID: 32392960). Therefore, this variant is classified as Pathogenic according to the recommendation of ACMG/AMP guideline.

Literature cited by the submitters: PubMed 32392960.